The following is an entry in ClinVar:

ClinVar aggregate classification (germline): Uncertain significance. Review status: criteria provided, multiple submitters, no conflicts (2 of 4 stars). 3 submissions from 3 submitters: Uncertain significance (2). 1 of the submissions does not count toward it. Last evaluated 2025-09-25.

Conditions:
FOXF1-related disorder. Also called: FOXF1-related condition.
Inborn genetic diseases. Identifiers: MedGen C0950123, MeSH D030342.

Allele frequency attached by ClinVar (database versions not stated): gnomAD 0.00003; TOPMed 0.00005.
gnomAD v4.1: 44 of 1,387,622 alleles (0.0032%); highest among the groups gnomAD compares: Admixed American, 0.015%; no homozygotes.

Submissions (3):

Ambry Genetics
Classification: Uncertain significance for Inborn genetic diseases. Last evaluated: 2025-09-25. Review status: criteria provided, single submitter. Criteria: Ambry Variant Classification Scheme 2023. Collection method: clinical testing. Allele origin: germline.

Labcorp Genetics (formerly Invitae), Labcorp
Classification: Uncertain significance. Last evaluated: 2022-12-03. Review status: criteria provided, single submitter. Criteria: Invitae Variant Classification Sherloc (09022015). Collection method: clinical testing. Allele origin: germline.
Comment: This variant has not been reported in the literature in individuals affected with FOXF1-related conditions. In summary, the available evidence is currently insufficient to determine the role of this variant in disease. Therefore, it has been classified as a Variant of Uncertain Significance. Algorithms developed to predict the effect of missense changes on protein structure and function (SIFT, PolyPhen-2, Align-GVGD) all suggest that this variant is likely to be tolerated. This variant is not present in population databases (gnomAD no frequency). This sequence change replaces proline, which is neutral and non-polar, with glutamine, which is neutral and polar, at codon 11 of the FOXF1 protein (p.Pro11Gln).

PreventionGenetics, part of Exact Sciences
Classification: Uncertain significance for FOXF1-related condition. Last evaluated: 2024-06-06. Review status: no assertion criteria provided. Collection method: clinical testing. Allele origin: germline. Not counted in ClinVar's aggregate classification.
Comment: The FOXF1 c.32C>A variant is predicted to result in the amino acid substitution p.Pro11Gln. To our knowledge, this variant has not been reported in the literature or in a large population database, indicating this variant is rare. At this time, the clinical significance of this variant is uncertain due to the absence of conclusive functional and genetic evidence.

NM_001451.3(FOXF1):c.32C>A (p.Pro11Gln)

Gene: FOXF1 (forkhead box F1; plus strand). Cytogenetic location: 16q24.1.
Variant type: single nucleotide variant.
Coding change: c.32C>A on transcript NM_001451.3 (MANE Select); coding-DNA position 32, C replaced by A.
Protein change: p.Pro11Gln; replaces proline 11 with glutamine.
Molecular consequence: missense variant.
Genome position (GRCh38, 1-based): chr16:86,510,601, C>A. VCF-style: chr16-86510601-C-A. GRCh37 (hg19) VCF-style: chr16-86544207-C-A.
Other names: c.32C>A (NM_001451.2); short protein forms P11Q.
Identifiers: ClinVar variation 2907581 (VCV002907581.5), dbSNP rs1047402909, ClinGen allele CA285810053.